The following is an entry in ClinVar:

NM_001371986.1(UNC80):c.444C>A (p.Phe148Leu)

Gene: UNC80 (unc-80 homolog, NALCN channel complex subunit; plus strand). Cytogenetic location: 2q34.
Variant type: single nucleotide variant.
Coding change: c.444C>A on transcript NM_001371986.1 (MANE Select); coding-DNA position 444, C replaced by A.
Protein change: p.Phe148Leu; replaces phenylalanine 148 with leucine.
Molecular consequence: missense variant.
Genome position (GRCh38, 1-based): chr2:209,777,403, C>A. VCF-style: chr2-209777403-C-A. GRCh37 (hg19) VCF-style: chr2-210642127-C-A.
Other names: c.444C>A, p.Phe148Leu (NM_032504.2, NM_182587.4); short protein forms F148L.
Identifiers: ClinVar variation 2000051 (VCV002000051.1), dbSNP rs2076926320, ClinGen allele CA350131213.
Genomic context (GRCh38, chr2:209,777,403, plus strand): 5'-CAATGAGCGGTTTGGGGGTACAGACCGAGGCTCCAGCTGGGGTGGAAGCAGCAGTGCTTT[C>A]ATCCACCAGGTTGAAAACCAGGGTTCTCCAGGGCAGCCTTGCCAAAGCAGCTCTAATGAC-3'
Protein context (NP_001358915.1, residues 138-158): GSSWGGSSSA[Phe148Leu]IHQVENQGSP

ClinVar aggregate classification (germline): Uncertain significance (1 of 4 stars; one submission).

Allele frequency attached by ClinVar (database versions not stated): TOPMed below 0.00001.

Submission:

Labcorp Genetics (formerly Invitae), Labcorp
Classification: Uncertain significance. Last evaluated: 2022-05-28. Review status: criteria provided, single submitter. Criteria: Invitae Variant Classification Sherloc (09022015). Collection method: clinical testing. Allele origin: germline.
Comment: This sequence change replaces phenylalanine, which is neutral and non-polar, with leucine, which is neutral and non-polar, at codon 148 of the UNC80 protein (p.Phe148Leu). This variant is not present in population databases (gnomAD no frequency). This variant has not been reported in the literature in individuals affected with UNC80-related conditions. Algorithms developed to predict the effect of missense changes on protein structure and function are either unavailable or do not agree on the potential impact of this missense change (SIFT: "Not Available"; PolyPhen-2: "Probably Damaging"; Align-GVGD: "Not Available"). In summary, the available evidence is currently insufficient to determine the role of this variant in disease. Therefore, it has been classified as a Variant of Uncertain Significance.